The following is an entry in ClinVar:

ClinVar aggregate classification (germline): Uncertain significance. Review status: criteria provided, multiple submitters, no conflicts (2 of 4 stars). 4 submissions from 4 submitters: Uncertain significance (4). Last evaluated 2025-07-07.

Conditions:
Malignant hyperthermia, susceptibility to, 1 (MHS1). Also called: Malignant hyperthermia suceptibility 1; RYR1-Related Malignant Hyperthermia Susceptibility; Anesthesia related hyperthermia; Malignant hyperpyrexia; Fulminating hyperpyrexia; Pharmacogenic myopathy. Identifiers: Orphanet 423, MedGen C2930980, MONDO:0007783, OMIM 145600.
RYR1-related disorder. Also called: RYR1-related disorders; RYR1-related condition. Identifiers: MedGen CN239331.

Allele frequency attached by ClinVar (database versions not stated): gnomAD exomes below 0.00001.
gnomAD v4.1: 5 of 1,614,092 alleles (0.00031%); highest among the groups gnomAD compares: South Asian, 0.0022%; no homozygotes.

Submissions (4):

Color Diagnostics, LLC DBA Color Health
Classification: Uncertain significance for Malignant hyperthermia, susceptibility to, 1. Last evaluated: 2025-07-07. Review status: criteria provided, single submitter. Criteria: ACMG Guidelines, 2015. Collection method: clinical testing. Allele origin: germline.
Comment: This missense variant replaces glutamic acid with lysine at codon 2513 of the RYR1 protein. Computational prediction is inconclusive regarding the impact of this variant on protein structure and function. To our knowledge, functional studies have not been reported for this variant. This variant has not been reported in individuals affected with RYR1-related disorders in the literature. This variant has not been identified in the general population by the Genome Aggregation Database (gnomAD). The available evidence is insufficient to determine the role of this variant in disease conclusively. Therefore, this variant is classified as a Variant of Uncertain Significance.

Revvity Omics, Revvity
Classification: Uncertain significance. Last evaluated: 2025-07-01. Review status: criteria provided, single submitter. Criteria: ACMG Guidelines, 2015. Collection method: clinical testing. Allele origin: germline.

All of Us Research Program, National Institutes of Health
Classification: Uncertain significance for Malignant hyperthermia, susceptibility to, 1. Last evaluated: 2024-06-11. Review status: criteria provided, single submitter. Criteria: ACMG Guidelines, 2015. Collection method: clinical testing. Allele origin: germline. Inheritance: Autosomal dominant inheritance. Observed: 1 variant allele, 1 heterozygote.
Comment: This study involves interpretation of variants in research participants for the purpose of population health screening. Participant phenotype was not available at the time of variant classification. Additional details can be found in publication PMID: 35346344, PMCID: PMC8962531

Labcorp Genetics (formerly Invitae), Labcorp
Classification: Uncertain significance for RYR1-related disorder. Last evaluated: 2024-03-13. Review status: criteria provided, single submitter. Criteria: Invitae Variant Classification Sherloc (09022015). Collection method: clinical testing. Allele origin: germline.
Comment: This sequence change replaces glutamic acid, which is acidic and polar, with lysine, which is basic and polar, at codon 2513 of the RYR1 protein (p.Glu2513Lys). This variant is not present in population databases (gnomAD no frequency). This missense change has been observed in individual(s) with clinical features of malignant hyperthermia (Invitae). ClinVar contains an entry for this variant (Variation ID: 836542). Advanced modeling of protein sequence and biophysical properties (such as structural, functional, and spatial information, amino acid conservation, physicochemical variation, residue mobility, and thermodynamic stability) performed at Invitae indicates that this missense variant is not expected to disrupt RYR1 protein function with a negative predictive value of 95%. In summary, the available evidence is currently insufficient to determine the role of this variant in disease. Therefore, it has been classified as a Variant of Uncertain Significance.

NM_000540.3(RYR1):c.7537G>A (p.Glu2513Lys)

Gene: RYR1 (ryanodine receptor 1; plus strand). Cytogenetic location: 19q13.2.
Variant type: single nucleotide variant.
Coding change: c.7537G>A on transcript NM_000540.3 (MANE Select); coding-DNA position 7537, G replaced by A.
Protein change: p.Glu2513Lys; replaces glutamic acid 2513 with lysine.
Molecular consequence: missense variant.
Genome position (GRCh38, 1-based): chr19:38,500,913, G>A. VCF-style: chr19-38500913-G-A. GRCh37 (hg19) VCF-style: chr19-38991553-G-A.
Other names: c.7537G>A, p.Glu2513Lys (NM_001042723.2); short protein forms E2513K.
Identifiers: ClinVar variation 836542 (VCV000836542.12), dbSNP rs1970086634, ClinGen allele CA405670410.